The following is an entry in ClinVar:

ClinVar aggregate classification (germline): Uncertain significance (1 of 4 stars; one submission).

Conditions:
Primary dilated cardiomyopathy (DCM). Also called: Dilated Cardiomyopathy. Identifiers: Orphanet 217604, MedGen C0007193, MeSH D002311, MONDO:0005021, HP:0001644. Inheritance: Various modes of inheritance.

Allele frequency attached by ClinVar (database versions not stated): gnomAD exomes below 0.00001 and 0.00001; TOPMed below 0.00001; ExAC 0.00001; gnomAD 0.00001.
gnomAD v4.1: 7 of 1,613,752 alleles (0.00043%); no homozygotes.

Submission:

Labcorp Genetics (formerly Invitae), Labcorp
Classification: Uncertain significance for Primary dilated cardiomyopathy. Last evaluated: 2025-12-22. Review status: criteria provided, single submitter. Criteria: Invitae Variant Classification Sherloc (09022015). Collection method: clinical testing. Allele origin: germline.
Comment: This sequence change falls in intron 11 of the TXNRD2 gene. It does not directly change the encoded amino acid sequence of the TXNRD2 protein. It affects a nucleotide within the consensus splice site. This variant is present in population databases (rs770435568, gnomAD 0.01%). This variant has not been reported in the literature in individuals affected with TXNRD2-related conditions. ClinVar contains an entry for this variant (Variation ID: 1518731). Variants that disrupt the consensus splice site are a relatively common cause of aberrant splicing (PMID: 17576681, 9536098). Algorithms developed to predict the effect of sequence changes on RNA splicing suggest that this variant is not likely to affect RNA splicing. In summary, the available evidence is currently insufficient to determine the role of this variant in disease. Therefore, it has been classified as a Variant of Uncertain Significance.

Literature cited by the submitters: PubMed 17576681; PubMed 9536098.

NM_006440.5(TXNRD2):c.949+3A>G

Gene: TXNRD2 (thioredoxin reductase 2; minus strand). Cytogenetic location: 22q11.21.
Variant type: single nucleotide variant.
Coding change: c.949+3A>G on transcript NM_006440.5 (MANE Select); 3 bases into the intron after coding-DNA position 949, A replaced by G.
Molecular consequence: intron variant.
Genome position (GRCh38, 1-based): chr22:19,895,404, T>C on the plus strand (A>G on the coding strand, the complement: TXNRD2 is on the minus strand). VCF-style: chr22-19895404-T-C. GRCh37 (hg19) VCF-style: chr22-19882927-T-C.
Other names: c.946+3A>G (NM_001352300.2); c.661+3A>G (NM_001352302.2); c.859+3A>G (NM_001352301.2); c.949+3A>G (NM_001282512.3); c.853+3A>G (NM_001352303.2).
Identifiers: ClinVar variation 1518731 (VCV001518731.9), dbSNP rs770435568, ClinGen allele CA10103940.